The following is an entry in ClinVar:

ClinVar aggregate classification (germline): Benign/Likely benign. Review status: criteria provided, multiple submitters, no conflicts (2 of 4 stars). 4 submissions from 4 submitters: Benign (1); Likely benign (2). 1 of the submissions does not count toward it. Last evaluated 2026-06-01.

Conditions:
NSMCE2-related disorder. Also called: NSMCE2-related condition.

Allele frequency attached by ClinVar (database versions not stated): gnomAD exomes 0.00026 and 0.00064; ExAC 0.00072; ESP Exome Variant Server 0.00154; gnomAD 0.00188 and 0.00203; TOPMed 0.00228; 1000 Genomes Project 30x 0.00234; 1000 Genomes Project 0.00240.
gnomAD v4.1: 687 of 1,614,070 alleles (0.043%); highest among the groups gnomAD compares: African/African-American, 0.6%; 5 homozygotes.

Submissions (4):

CeGaT Center for Human Genetics Tuebingen
Classification: Likely benign. Last evaluated: 2026-06-01. Review status: criteria provided, single submitter. Criteria: CeGaT Center For Human Genetics Tuebingen Variant Classification Criteria Version 2. Collection method: clinical testing. Allele origin: germline. Affected: yes. Observed: 2 variant alleles.
Comment: NSMCE2: BP4, BP7

Labcorp Genetics (formerly Invitae), Labcorp
Classification: Benign. Last evaluated: 2025-09-25. Review status: criteria provided, single submitter. Criteria: Invitae Variant Classification Sherloc (09022015). Collection method: clinical testing. Allele origin: germline.

Blueprint Genetics
Classification: Likely benign. Last evaluated: 2024-10-01. Review status: criteria provided, single submitter. Criteria: ACMG Guidelines, 2015. Collection method: clinical testing. Allele origin: germline.

PreventionGenetics, part of Exact Sciences
Classification: Benign for NSMCE2-related condition. Last evaluated: 2019-08-28. Review status: no assertion criteria provided. Collection method: clinical testing. Allele origin: germline. Not counted in ClinVar's aggregate classification.
Comment: This variant is classified as benign based on ACMG/AMP sequence variant interpretation guidelines (Richards et al. 2015 PMID: 25741868, with internal and published modifications).

NM_173685.4(NSMCE2):c.576C>T (p.Asp192=)

Gene: NSMCE2 (NSE2 SUMO ligase component of SMC5/6 complex; plus strand). Cytogenetic location: 8q24.13.
Variant type: single nucleotide variant.
Coding change: c.576C>T on transcript NM_173685.4 (MANE Select); coding-DNA position 576, C replaced by T.
Protein change: p.Asp192=; no amino-acid change (aspartic acid 192 retained).
Molecular consequence: synonymous variant. On other transcripts: non-coding transcript variant (1).
Genome position (GRCh38, 1-based): chr8:125,357,768, C>T. VCF-style: chr8-125357768-C-T. GRCh37 (hg19) VCF-style: chr8-126370010-C-T.
Other names: c.576C>T, p.Asp192= (NM_001349485.2, NM_001349486.2); c.576C>T (NM_173685.2).
Identifiers: ClinVar variation 1606158 (VCV001606158.18), dbSNP rs115376097, ClinGen allele CA4874437.